The following is an entry in ClinVar:

NM_003640.5(ELP1):c.2759_2772del (p.Pro919_Phe920insTer)

Gene: ELP1 (elongator acetyltransferase complex subunit 1; minus strand). Cytogenetic location: 9q31.3.
Variant type: Deletion.
Coding change: c.2759_2772del on transcript NM_003640.5 (MANE Select); coding-DNA positions 2759 to 2772, 14 bases deleted (TTCTTAATACACTT).
Protein change: p.Pro919_Phe920insTer.
Molecular consequence: nonsense.
Genome position (GRCh38, 1-based): chr9:108,894,031-108,894,044, AAGTGTATTAAGAA deleted on the plus strand (TTCTTAATACACTT on the coding strand, the reverse complement: ELP1 is on the minus strand); deleting any 14 consecutive bases within chr9:108,894,031-108,894,045 gives the same sequence; the c. name uses the placement nearest the transcript's 3' end. VCF-style (leftmost placement, unchanged base first): chr9-108894030-TAAGTGTATTAAGAA-T. GRCh37 (hg19) VCF-style: chr9-111656310-TAAGTGTATTAAGAA-T.
Other names: c.2417_2430del, p.Pro805_Phe806insTer (NM_001318360.2); c.1712_1725del, p.Pro570_Phe571insTer (NM_001330749.2).
Identifiers: ClinVar variation 2832115 (VCV002832115.3), dbSNP rs2537884472, ClinGen allele CA2739264934.

ClinVar aggregate classification (germline): Pathogenic (1 of 4 stars; one submission).

Submission:

Labcorp Genetics (formerly Invitae), Labcorp
Classification: Pathogenic. Last evaluated: 2023-01-26. Review status: criteria provided, single submitter. Criteria: Invitae Variant Classification Sherloc (09022015). Collection method: clinical testing. Allele origin: germline.
Comment: For these reasons, this variant has been classified as Pathogenic. This variant has not been reported in the literature in individuals affected with ELP1-related conditions. This variant is not present in population databases (gnomAD no frequency). This sequence change creates a premature translational stop signal (p.Phe920*) in the ELP1 gene. It is expected to result in an absent or disrupted protein product. Loss-of-function variants in ELP1 are known to be pathogenic (PMID: 18303054, 24173031).

Literature cited by the submitters: PubMed 18303054; PubMed 24173031.